The following is an entry in ClinVar:

NM_003000.3(SDHB):c.335C>T (p.Ala112Val)

Gene: SDHB (succinate dehydrogenase complex iron sulfur subunit B; minus strand). Cytogenetic location: 1p36.13.
Variant type: single nucleotide variant.
Coding change: c.335C>T on transcript NM_003000.3 (MANE Select); coding-DNA position 335, C replaced by T.
Protein change: p.Ala112Val; replaces alanine 112 with valine.
Molecular consequence: missense variant.
Genome position (GRCh38, 1-based): chr1:17,028,688, G>A on the plus strand (C>T on the coding strand, the complement: SDHB is on the minus strand). VCF-style: chr1-17028688-G-A. GRCh37 (hg19) VCF-style: chr1-17355183-G-A.
Other names: c.335C>T, p.Ala112Val (NM_001407361.1); short protein forms A112V.
Identifiers: ClinVar variation 2936076 (VCV002936076.6), dbSNP rs1553177762, ClinGen allele CA338274791.

ClinVar aggregate classification (germline): Uncertain significance. Review status: criteria provided, multiple submitters, no conflicts (2 of 4 stars). 4 submissions from 4 submitters: Uncertain significance (4). Last evaluated 2025-01-22.

Conditions:
Pheochromocytoma. Also called: MAX-Related Hereditary Paraganglioma-Pheochromocytoma Syndrome. Identifiers: Orphanet 29072, MedGen C0031511, MONDO:0008233, OMIM 171300, HP:0002666.
Gastrointestinal stromal tumor. Also called: Gastrointestinal stromal tumor, somatic; Gastrointestinal stroma tumor. Identifiers: Orphanet 44890, MedGen C0238198, MeSH D046152, MONDO:0011719, OMIM 606764, HP:0100723.
Pheochromocytoma/paraganglioma syndrome 4. Also called: CAROTID BODY TUMORS AND MULTIPLE EXTRAADRENAL PHEOCHROMOCYTOMAS; PARAGANGLIOMA, FAMILIAL MALIGNANT; PARAGANGLIOMAS, HEREDITARY EXTRAADRENAL; PHEOCHROMOCYTOMA, FAMILIAL EXTRAADRENAL; Paragangliomas 4; SDHB-Related Hereditary Paraganglioma-Pheochromocytoma Syndrome (Paragangliomas 4). Identifiers: Orphanet 29072, MedGen C1861848, MONDO:0007273, OMIM 115310.
Hereditary cancer-predisposing syndrome. Also called: Neoplastic Syndromes, Hereditary; Hereditary neoplastic syndrome; Tumor predisposition; Hereditary Cancer Syndrome. Identifiers: Orphanet 140162, MedGen C0027672, MeSH D009386, MONDO:0015356.
Hereditary pheochromocytoma and paraganglioma. Also called: Hereditary pheochromocytoma-paraganglioma; Hereditary Paraganglioma-Pheochromocytoma Syndromes; Hereditary paragangliomas and pheochromocytomas. Identifiers: Orphanet 29072, MedGen C4274332, MONDO:0017366.

Submissions (4):

Quest Diagnostics Nichols Institute San Juan Capistrano
Classification: Uncertain significance. Last evaluated: 2025-01-22. Review status: criteria provided, single submitter. Criteria: Quest Diagnostics criteria. Collection method: clinical testing. Allele origin: unknown.

Labcorp Genetics (formerly Invitae), Labcorp
Classification: Uncertain significance for Gastrointestinal stromal tumor; Pheochromocytoma/paraganglioma syndrome 4; Pheochromocytoma. Last evaluated: 2024-08-13. Review status: criteria provided, single submitter. Criteria: Invitae Variant Classification Sherloc (09022015). Collection method: clinical testing. Allele origin: germline.
Comment: This sequence change replaces alanine, which is neutral and non-polar, with valine, which is neutral and non-polar, at codon 112 of the SDHB protein (p.Ala112Val). This variant is not present in population databases (gnomAD no frequency). This variant has not been reported in the literature in individuals affected with SDHB-related conditions. Advanced modeling of protein sequence and biophysical properties (such as structural, functional, and spatial information, amino acid conservation, physicochemical variation, residue mobility, and thermodynamic stability) performed at Invitae indicates that this missense variant is expected to disrupt SDHB protein function with a positive predictive value of 80%. In summary, the available evidence is currently insufficient to determine the role of this variant in disease. Therefore, it has been classified as a Variant of Uncertain Significance.

Ambry Genetics
Classification: Uncertain significance for Hereditary cancer-predisposing syndrome. Last evaluated: 2024-05-15. Review status: criteria provided, single submitter. Criteria: Ambry Variant Classification Scheme 2023. Collection method: clinical testing. Allele origin: germline.
Comment: The p.A112V variant (also known as c.335C>T), located in coding exon 4 of the SDHB gene, results from a C to T substitution at nucleotide position 335. The alanine at codon 112 is replaced by valine, an amino acid with similar properties. This amino acid position is highly conserved in available vertebrate species. In addition, this alteration is predicted to be deleterious by in silico analysis. Based on the available evidence, the clinical significance of this variant remains unclear.

All of Us Research Program, National Institutes of Health
Classification: Uncertain significance for Hereditary pheochromocytoma and paraganglioma. Last evaluated: 2024-03-24. Review status: criteria provided, single submitter. Criteria: ACMG Guidelines, 2015. Collection method: clinical testing. Allele origin: germline. Inheritance: Autosomal dominant inheritance. Observed: 1 variant allele, 1 heterozygote.
Comment: This missense variant replaces alanine with valine at codon 112 of the SDHB protein. Computational prediction suggests that this variant may have deleterious impact on protein structure and function. To our knowledge, functional studies have not been reported for this variant. This variant has been reported in an individual affected with head and neck paraganglioma (PMID: 32035780). This variant has not been identified in the general population by the Genome Aggregation Database (gnomAD). The available evidence is insufficient to determine the role of this variant in disease conclusively. Therefore, this variant is classified as a Variant of Uncertain Significance.

This study involves interpretation of variants in research participants for the purpose of population health screening. Participant phenotype was not available at the time of variant classification. Additional details can be found in publication PMID: 35346344, PMCID: PMC8962531

Literature cited by the submitters: PubMed 32035780 (cited by Ambry Genetics and All of Us Research Program, National Institutes of Health).